The following is an entry in ClinVar:

NM_006206.6(PDGFRA):c.1284T>C (p.Thr428=)

Gene: PDGFRA (platelet derived growth factor receptor alpha; plus strand). Cytogenetic location: 4q12.
Variant type: single nucleotide variant.
Coding change: c.1284T>C on transcript NM_006206.6 (MANE Select); coding-DNA position 1284, T replaced by C.
Protein change: p.Thr428=; no amino-acid change (threonine 428 retained).
Molecular consequence: synonymous variant.
Genome position (GRCh38, 1-based): chr4:54,272,440, T>C. VCF-style: chr4-54272440-T-C. GRCh37 (hg19) VCF-style: chr4-55138607-T-C.
Other names: c.1284T>C, p.Thr428= (NM_001347827.2, NM_001347829.2); c.1359T>C, p.Thr453= (NM_001347828.2); c.1323T>C, p.Thr441= (NM_001347830.2); c.1284T>C (NM_006206.4).
Identifiers: ClinVar variation 1571996 (VCV001571996.11), dbSNP rs763716086, ClinGen allele CA2922513.

ClinVar aggregate classification (germline): Benign/Likely benign. Review status: criteria provided, multiple submitters, no conflicts (2 of 4 stars). 3 submissions from 3 submitters: Benign (1); Likely benign (2). Last evaluated 2026-06-17.

Conditions:
Polyps, multiple and recurrent inflammatory fibroid, gastrointestinal. Identifiers: MedGen C5193005, MONDO:0008285, OMIM 175510.
Hereditary cancer-predisposing syndrome. Also called: Tumor predisposition; Neoplastic Syndromes, Hereditary; Hereditary Cancer Syndrome; Hereditary neoplastic syndrome. Identifiers: Orphanet 140162, MedGen C0027672, MeSH D009386, MONDO:0015356.
Gastrointestinal stromal tumor. Also called: Gastrointestinal stromal tumor, somatic; Gastrointestinal stroma tumor. Identifiers: Orphanet 44890, MedGen C0238198, MeSH D046152, MONDO:0011719, OMIM 606764, HP:0100723.

Allele frequency attached by ClinVar (database versions not stated): gnomAD exomes below 0.00001; ExAC 0.00001; gnomAD 0.00001; TOPMed 0.00001.
gnomAD v4.1: 4 of 1,613,888 alleles (0.00025%); highest among the groups gnomAD compares: African/African-American, 0.0027%; no homozygotes.

Submissions (3):

Myriad Genetics, Inc.
Classification: Benign for Polyps, multiple and recurrent inflammatory fibroid, gastrointestinal. Last evaluated: 2026-06-17. Review status: criteria provided, single submitter. Criteria: Myriad Autosomal Dominant, Autosomal Recessive and X-Linked Classification Criteria (2023). Collection method: clinical testing. Allele origin: unknown.
Comment: This variant is considered benign. This variant is a silent/synonymous amino acid change and it is not expected to impact splicing.

Labcorp Genetics (formerly Invitae), Labcorp
Classification: Likely benign for Gastrointestinal stromal tumor. Last evaluated: 2025-09-30. Review status: criteria provided, single submitter. Criteria: Invitae Variant Classification Sherloc (09022015). Collection method: clinical testing. Allele origin: germline.

Ambry Genetics
Classification: Likely benign for Hereditary cancer-predisposing syndrome. Last evaluated: 2023-03-17. Review status: criteria provided, single submitter. Criteria: Ambry Variant Classification Scheme 2023. Collection method: clinical testing. Allele origin: germline.